The following is an entry in ClinVar:

NM_007294.4(BRCA1):c.2802del (p.Asp936fs)

Gene: BRCA1 (BRCA1 DNA repair associated; minus strand). Cytogenetic location: 17q21.31.
Variant type: Deletion.
Coding change: c.2802del on transcript NM_007294.4 (MANE Select); coding-DNA position 2802, one base deleted (G; older notation c.2802delG).
Protein change: p.Asp936fs; shifts the reading frame from aspartic acid 936.
Molecular consequence: frameshift variant. On other transcripts: intron variant (137).
Genome position (GRCh38, 1-based): chr17:43,092,729, C deleted on the plus strand (G on the coding strand, the reverse complement: BRCA1 is on the minus strand). VCF-style (leftmost placement, unchanged base first): chr17-43092728-TC-T. GRCh37 (hg19) VCF-style: chr17-41244745-TC-T.
Other names: c.2802delG (NM_007294.4); c.2589del, p.Asp865fs (NM_001407571.1, NM_001407853.1, NM_001407894.1 and 9 more transcripts); c.2802del, p.Asp936fs (NM_001407581.1, NM_001407582.1, NM_001407583.1 and 30 more transcripts); c.2799del, p.Asp935fs (NM_001407587.1, NM_001407590.1, NM_001407591.1 and 22 more transcripts); c.2793del, p.Asp933fs (NM_001407646.1, NM_001407647.1); c.2679del, p.Asp895fs (NM_001407648.1, NM_001407664.1, NM_001407665.1 and 19 more transcripts); c.2676del, p.Asp894fs (NM_001407649.1, NM_001407670.1, NM_001407671.1 and 11 more transcripts); c.2724del, p.Asp910fs (NM_001407653.1, NM_001407654.1, NM_001407655.1 and 4 more transcripts); and 43 more; short protein forms D936fs, D889fs, D768fs, D847fs, D888fs, D895fs, D824fs, D825fs.
Identifiers: ClinVar variation 837250 (VCV000837250.53), dbSNP rs2053694038, ClinGen allele CA916080163.
Genomic context (GRCh38, chr17:43,092,728, plus strand): 5'-ATAGACAAAACCTAGAGCCTCCTTTGATACTACATTTGGCATTATCAACTGGCTTATCTT[TC>T]TGACCAACCACAGGAAAGCCTGCAGTGATATTAACTGTCTGTACAGGCTTGATATTAGAC-3'

ClinVar aggregate classification (germline): Pathogenic. Review status: criteria provided, multiple submitters, no conflicts (2 of 4 stars). 4 submissions from 4 submitters: Pathogenic (3). 1 of the submissions does not count toward it. Last evaluated 2024-05-18.

Conditions:
Hereditary breast ovarian cancer syndrome. Also called: Hereditary breast and/or ovarian cancer syndrome; BRCA1- and BRCA2-Associated Hereditary Breast and Ovarian Cancer; Hereditary breast and ovarian cancer syndrome; Hereditary breast and ovarian cancer; Hereditary breast and ovarian cancer syndrome (HBOC); Breast and ovarian cancer. Identifiers: Orphanet 145, MedGen C0677776, MeSH D061325, MONDO:0003582. Disease mechanism: loss of function.
Familial cancer of breast. Also called: BREAST CANCER, FAMILIAL; hereditary breast carcinoma; Hereditary breast cancer. Identifiers: Orphanet 227535, MedGen C0346153, MONDO:0016419, OMIM 114480. Disease mechanism: loss of function.
Breast-ovarian cancer, familial, susceptibility to, 1 (BROVCA1). Also called: BRCA1 Hereditary Breast and Ovarian Cancer; OVARIAN CANCER, SUSCEPTIBILITY TO. Identifiers: Orphanet 145, MedGen C2676676, MONDO:0011450, OMIM 604370. Disease mechanism: loss of function.
Fanconi anemia, complementation group S (FANCS). Identifiers: MedGen C4554406, MONDO:0054748, OMIM 617883.
Breast carcinoma. Also called: Carcinoma of breast. Identifiers: MedGen C0678222, MONDO:0004989, HP:0003002.

Submissions (4):

Labcorp Genetics (formerly Invitae), Labcorp
Classification: Pathogenic for Hereditary breast ovarian cancer syndrome. Last evaluated: 2024-05-18. Review status: criteria provided, single submitter. Criteria: Invitae Variant Classification Sherloc (09022015). Collection method: clinical testing. Allele origin: germline.
Comment: This sequence change creates a premature translational stop signal (p.Asp936Ilefs*64) in the BRCA1 gene. It is expected to result in an absent or disrupted protein product. Loss-of-function variants in BRCA1 are known to be pathogenic (PMID: 20104584). This variant is not present in population databases (gnomAD no frequency). This premature translational stop signal has been observed in individual(s) with breast cancer (PMID: 23697973). ClinVar contains an entry for this variant (Variation ID: 837250). For these reasons, this variant has been classified as Pathogenic.

Women's Health and Genetics/Laboratory Corporation of America, LabCorp
Classification: Pathogenic for Hereditary breast ovarian cancer syndrome. Last evaluated: 2023-12-18. Review status: criteria provided, single submitter. Criteria: LabCorp Variant Classification Summary - May 2015. Collection method: clinical testing. Allele origin: germline.
Comment: Variant summary: BRCA1 c.2802delG (p.Asp936IlefsX64) results in a premature termination codon, predicted to cause a truncation of the encoded protein or absence of the protein due to nonsense mediated decay, which are commonly known mechanisms for disease. Variants downstream of this position have been classified as pathogenic by our laboratory. The variant was absent in 251196 control chromosomes (gnomAD). c.2802delG has been reported in the literature in individuals affected with Hereditary Breast And Ovarian Cancer Syndrome (example: Chen_2020). The following publication has been ascertained in the context of this evaluation (PMID: 32072338). Two submitters have cited clinical-significance assessments for this variant to ClinVar after 2014. All submitters classified the variant as pathogenic. Based on the evidence outlined above, the variant was classified as pathogenic.

Department of Pathology and Laboratory Medicine, Sinai Health System
Classification: Pathogenic for Familial cancer of breast; Breast-ovarian cancer, familial, susceptibility to, 1; Fanconi anemia, complementation group S. Last evaluated: 2022-05-27. Review status: criteria provided, single submitter. Criteria: ACMG Guidelines, 2015. Collection method: clinical testing. Allele origin: germline. Affected: yes.

Medical Genetics Laboratory, Umraniye Training and Research Hospital, University of Health Sciences
Classification: Pathogenic for Breast carcinoma. Last evaluated: 2021-08-08. Review status: no assertion criteria provided. Collection method: clinical testing. Allele origin: germline. Affected: yes. Observed: 1 variant allele, 1 heterozygote. Not counted in ClinVar's aggregate classification.
Comment: Atypical Medullary Carcinoma Estrogen Receptor: Negative Progesterone Receptor: Negative HER2 Receptor: Negative

Literature cited by the submitters: PubMed 20104584 (cited by Labcorp Genetics (formerly Invitae), Labcorp); PubMed 23697973 (cited by Labcorp Genetics (formerly Invitae), Labcorp); PubMed 32072338 (cited by Women's Health and Genetics/Laboratory Corporation of America, LabCorp).